The following is an entry in ClinVar:

ClinVar aggregate classification (germline): Pathogenic. Review status: criteria provided, multiple submitters, no conflicts (2 of 4 stars). 2 submissions from 2 submitters: Pathogenic (2). Last evaluated 2025-06-28.

Conditions:
Interstitial lung disease due to ABCA3 deficiency. Also called: PULMONARY ALVEOLAR PROTEINOSIS, CONGENITAL, 3. Identifiers: Orphanet 440402, MedGen C1970456, MONDO:0012582, OMIM 610921.

gnomAD v4.1: 1 of 1,614,200 alleles (0.000062%); no homozygotes.

Submissions (2):

Myriad Genetics, Inc.
Classification: Pathogenic for Interstitial lung disease due to ABCA3 deficiency. Last evaluated: 2025-06-28. Review status: criteria provided, single submitter. Criteria: Myriad Autosomal Dominant, Autosomal Recessive and X-Linked Classification Criteria (2023). Collection method: clinical testing. Allele origin: unknown.
Comment: NM_001089.2(ABCA3):c.1194G>A(W398*) is expected to be pathogenic in the context of surfactant deficiency, ABCA3-related. This variant is predicted to lead to an abnormal or absent protein product due to the creation of a premature termination codon in ABCA3, a gene where loss-of-function variants are known to be pathogenic. Please note: this variant was assessed in the context of healthy population screening.

Labcorp Genetics (formerly Invitae), Labcorp
Classification: Pathogenic. Last evaluated: 2023-09-29. Review status: criteria provided, single submitter. Criteria: Invitae Variant Classification Sherloc (09022015). Collection method: clinical testing. Allele origin: germline.
Comment: For these reasons, this variant has been classified as Pathogenic. This variant has not been reported in the literature in individuals affected with ABCA3-related conditions. This variant is not present in population databases (gnomAD no frequency). This sequence change creates a premature translational stop signal (p.Trp398*) in the ABCA3 gene. It is expected to result in an absent or disrupted protein product. Loss-of-function variants in ABCA3 are known to be pathogenic (PMID: 27516224).

Literature cited by the submitters: PubMed 27516224 (cited by Labcorp Genetics (formerly Invitae), Labcorp).

NM_001089.3(ABCA3):c.1194G>A (p.Trp398Ter)

Gene: ABCA3 (ATP binding cassette subfamily A member 3; minus strand). Cytogenetic location: 16p13.3.
Variant type: single nucleotide variant.
Coding change: c.1194G>A on transcript NM_001089.3 (MANE Select); coding-DNA position 1194, G replaced by A.
Protein change: p.Trp398Ter; replaces tryptophan 398 with a stop codon.
Molecular consequence: nonsense.
Genome position (GRCh38, 1-based): chr16:2,308,541, C>T on the plus strand (G>A on the coding strand, the complement: ABCA3 is on the minus strand). VCF-style: chr16-2308541-C-T. GRCh37 (hg19) VCF-style: chr16-2358542-C-T.
Other names: short protein forms W398*.
Identifiers: ClinVar variation 2807971 (VCV002807971.4), dbSNP rs2093701505, ClinGen allele CA394339719.